The following is an entry in ClinVar:

NM_016169.4(SUFU):c.317+1G>A

Gene: SUFU (SUFU negative regulator of hedgehog signaling; plus strand). Cytogenetic location: 10q24.32.
Variant type: single nucleotide variant.
Coding change: c.317+1G>A on transcript NM_016169.4 (MANE Select); the canonical splice donor site of the intron after coding-DNA position 317, G replaced by A.
Molecular consequence: splice donor variant.
Genome position (GRCh38, 1-based): chr10:102,509,304, G>A. VCF-style: chr10-102509304-G-A. GRCh37 (hg19) VCF-style: chr10-104269061-G-A.
Other names: c.317+1G>A (NM_001178133.2).
Identifiers: ClinVar variation 1494504 (VCV001494504.8), dbSNP rs2135621012, ClinGen allele CA377889284.

ClinVar aggregate classification (germline): Likely pathogenic (1 of 4 stars; one submission).

Conditions:
Medulloblastoma (MDB). Also called: MEDULLOBLASTOMA PREDISPOSITION SYNDROME; Medulloblastoma, somatic. Identifiers: Orphanet 616, MedGen C0025149, MeSH D008527, MONDO:0007959, OMIM 155255, HP:0002885.
Gorlin syndrome. Also called: Nevoid Basal Cell Carcinoma Syndrome; Basal cell nevus syndrome. Identifiers: Orphanet 377, MedGen C0004779, MONDO:0007187.

Submission:

Labcorp Genetics (formerly Invitae), Labcorp
Classification: Likely pathogenic for Gorlin syndrome; Medulloblastoma. Last evaluated: 2021-01-20. Review status: criteria provided, single submitter. Criteria: Invitae Variant Classification Sherloc (09022015). Collection method: clinical testing. Allele origin: germline.
Comment: This sequence change affects a donor splice site in intron 2 of the SUFU gene. It is expected to disrupt RNA splicing. Variants that disrupt the donor or acceptor splice site typically lead to a loss of protein function (PMID: 16199547), and loss-of-function variants in SUFU are known to be pathogenic (PMID: 22508808, 25403219). This variant is not present in population databases (ExAC no frequency). This variant has not been reported in the literature in individuals with SUFU-related conditions. Algorithms developed to predict the effect of sequence changes on RNA splicing suggest that this variant may disrupt the consensus splice site, but this prediction has not been confirmed by published transcriptional studies. In summary, the currently available evidence indicates that the variant is pathogenic, but additional data are needed to prove that conclusively. Therefore, this variant has been classified as Likely Pathogenic.

Literature cited by the submitters: PubMed 16199547; PubMed 22508808; PubMed 25403219.